The following is an entry in ClinVar:

ClinVar aggregate classification (germline): Uncertain significance (1 of 4 stars; one submission).

Submission:

Labcorp Genetics (formerly Invitae), Labcorp
Classification: Uncertain significance. Last evaluated: 2022-05-26. Review status: criteria provided, single submitter. Criteria: Invitae Variant Classification Sherloc (09022015). Collection method: clinical testing. Allele origin: germline.
Comment: In summary, the available evidence is currently insufficient to determine the role of this variant in disease. Therefore, it has been classified as a Variant of Uncertain Significance. Variants that disrupt the consensus splice site are a relatively common cause of aberrant splicing (PMID: 17576681, 9536098). Algorithms developed to predict the effect of sequence changes on RNA splicing suggest that this variant is not likely to affect RNA splicing. This variant has not been reported in the literature in individuals affected with SPART-related conditions. This variant is not present in population databases (gnomAD no frequency). This sequence change falls in intron 3 of the SPART gene. It does not directly change the encoded amino acid sequence of the SPART protein. It affects a nucleotide within the consensus splice site.

Literature cited by the submitters: PubMed 17576681; PubMed 9536098.

NM_015087.5(SPART):c.1008+3A>G

Gene: SPART (spartin; minus strand). Cytogenetic location: 13q13.3.
Variant type: single nucleotide variant.
Coding change: c.1008+3A>G on transcript NM_015087.5 (MANE Select); 3 bases into the intron after coding-DNA position 1008, A replaced by G.
Molecular consequence: intron variant.
Genome position (GRCh38, 1-based): chr13:36,331,396, T>C on the plus strand (A>G on the coding strand, the complement: SPART is on the minus strand). VCF-style: chr13-36331396-T-C. GRCh37 (hg19) VCF-style: chr13-36905533-T-C.
Other names: c.1008+3A>G (NM_001142294.2, NM_001142295.2, NM_001142296.2).
Identifiers: ClinVar variation 1999145 (VCV001999145.4), dbSNP rs2500721184, ClinGen allele CA2580087516.
Genomic context (GRCh38, chr13:36,331,396, plus strand): 5'-AAAAGCTGAAGTGCTTATGTTAAAGTAGATTTTTTTCACCCTAAAGATGATCACACAAGT[T>C]ACCTGGAGCCGAAGGTCAGACATTTGCCTTAACAGATCCTCAAAGAGCTCTCTATCATCC-3'